The following is an entry in ClinVar:

ClinVar aggregate classification (germline): Likely benign. Review status: criteria provided, single submitter (1 of 4 stars). 2 submissions from 2 submitters: Likely benign (1). 1 of the submissions does not count toward it. Last evaluated 2021-07-27.

Conditions:
H6PD-related disorder. Also called: H6PD-related condition.

Allele frequency attached by ClinVar (database versions not stated): gnomAD exomes 0.00002 and 0.00006; ExAC 0.00006; ESP Exome Variant Server 0.00008; gnomAD 0.00013 and 0.00015; TOPMed 0.00018.
gnomAD v4.1: 54 of 1,613,894 alleles (0.0033%); highest among the groups gnomAD compares: African/African-American, 0.055%; no homozygotes.

Submissions (2):

Labcorp Genetics (formerly Invitae), Labcorp
Classification: Likely benign. Last evaluated: 2021-07-27. Review status: criteria provided, single submitter. Criteria: Invitae Variant Classification Sherloc (09022015). Collection method: clinical testing. Allele origin: germline.

PreventionGenetics, part of Exact Sciences
Classification: Likely benign for H6PD-related condition. Last evaluated: 2019-08-12. Review status: no assertion criteria provided. Collection method: clinical testing. Allele origin: germline. Not counted in ClinVar's aggregate classification.
Comment: This variant is classified as likely benign based on ACMG/AMP sequence variant interpretation guidelines (Richards et al. 2015 PMID: 25741868, with internal and published modifications).

NM_004285.4(H6PD):c.1233C>T (p.Ala411=)

Gene: H6PD (hexose-6-phosphate dehydrogenase/glucose 1-dehydrogenase; plus strand). Cytogenetic location: 1p36.22.
Variant type: single nucleotide variant.
Coding change: c.1233C>T on transcript NM_004285.4 (MANE Select); coding-DNA position 1233, C replaced by T.
Protein change: p.Ala411=; no amino-acid change (alanine 411 retained).
Molecular consequence: synonymous variant.
Genome position (GRCh38, 1-based): chr1:9,263,726, C>T. VCF-style: chr1-9263726-C-T. GRCh37 (hg19) VCF-style: chr1-9323785-C-T.
Other names: c.1233C>T (NM_004285.3); c.1266C>T, p.Ala422= (NM_001282587.2).
Identifiers: ClinVar variation 1645313 (VCV001645313.10), dbSNP rs139332011, ClinGen allele CA575244.